The following is an entry in ClinVar:

ClinVar aggregate classification (germline): Pathogenic/Likely pathogenic. Review status: criteria provided, multiple submitters, no conflicts (2 of 4 stars). 2 submissions from 2 submitters: Pathogenic (1); Likely pathogenic (1). Last evaluated 2023-01-11.

Conditions:
KRT6A-related disorders.

Submissions (2):

Blueprint Genetics
Classification: Likely pathogenic for KRT6A-related disorders. Last evaluated: 2023-01-11. Review status: criteria provided, single submitter. Criteria: ACMG Guidelines, 2015. Collection method: clinical testing. Allele origin: germline. Affected: yes. Observed: 1 variant allele.

GeneDx
Classification: Pathogenic. Last evaluated: 2020-03-04. Review status: criteria provided, single submitter. Criteria: GeneDx Variant Classification Process June 2021. Collection method: clinical testing. Allele origin: germline. Affected: yes.
Comment: In silico analysis supports that this missense variant has a deleterious effect on protein structure/function; Has not been previously published as pathogenic or benign to our knowledge

NM_005554.4(KRT6A):c.490C>T (p.Arg164Cys)

Gene: KRT6A (keratin 6A; minus strand). Cytogenetic location: 12q13.13.
Variant type: single nucleotide variant.
Coding change: c.490C>T on transcript NM_005554.4 (MANE Select); coding-DNA position 490, C replaced by T.
Protein change: p.Arg164Cys; replaces arginine 164 with cysteine.
Molecular consequence: missense variant.
Genome position (GRCh38, 1-based): chr12:52,492,699, G>A on the plus strand (C>T on the coding strand, the complement: KRT6A is on the minus strand). VCF-style: chr12-52492699-G-A. GRCh37 (hg19) VCF-style: chr12-52886483-G-A.
Other names: short protein forms R164C.
Identifiers: ClinVar variation 452212 (VCV000452212.4), dbSNP rs1318088507, ClinGen allele CA384963552.